The following is an entry in ClinVar:

ClinVar aggregate classification (germline): Uncertain significance (1 of 4 stars; one submission).

Allele frequency attached by ClinVar (database versions not stated): gnomAD 0.00001; gnomAD exomes 0.00001; ExAC 0.00004.

Submission:

Labcorp Genetics (formerly Invitae), Labcorp
Classification: Uncertain significance. Last evaluated: 2022-02-20. Review status: criteria provided, single submitter. Criteria: Invitae Variant Classification Sherloc (09022015). Collection method: clinical testing. Allele origin: germline.
Comment: This sequence change replaces aspartic acid, which is acidic and polar, with asparagine, which is neutral and polar, at codon 177 of the GRID2 protein (p.Asp177Asn). This variant also falls at the last nucleotide of exon 3, which is part of the consensus splice site for this exon. This variant is present in population databases (rs773078347, gnomAD 0.006%), including at least one homozygous and/or hemizygous individual. This variant has not been reported in the literature in individuals affected with GRID2-related conditions. Algorithms developed to predict the effect of missense changes on protein structure and function are either unavailable or do not agree on the potential impact of this missense change (SIFT: "Deleterious"; PolyPhen-2: "Probably Damaging"; Align-GVGD: "Class C0"). Variants that disrupt the consensus splice site are a relatively common cause of aberrant splicing (PMID: 17576681, 9536098). In summary, the available evidence is currently insufficient to determine the role of this variant in disease. Therefore, it has been classified as a Variant of Uncertain Significance.

Literature cited by the submitters: PubMed 17576681; PubMed 9536098.

NM_001510.4(GRID2):c.529G>A (p.Asp177Asn)

Gene: GRID2 (glutamate ionotropic receptor delta type subunit 2; plus strand). Cytogenetic location: 4q22.2.
Variant type: single nucleotide variant.
Coding change: c.529G>A on transcript NM_001510.4 (MANE Select); coding-DNA position 529, G replaced by A.
Protein change: p.Asp177Asn; replaces aspartic acid 177 with asparagine.
Molecular consequence: missense variant. On other transcripts: intron variant (1).
Genome position (GRCh38, 1-based): chr4:93,085,279, G>A. VCF-style: chr4-93085279-G-A. GRCh37 (hg19) VCF-style: chr4-94006430-G-A.
Other names: c.245-25469G>A (NM_001286838.1); short protein forms D177N.
Identifiers: ClinVar variation 1900250 (VCV001900250.2), dbSNP rs773078347, ClinGen allele CA3011984.